The following is an entry in ClinVar:

ClinVar aggregate classification (germline): Likely pathogenic (1 of 4 stars; one submission).

Conditions:
Hereditary cancer-predisposing syndrome. Also called: Tumor predisposition; Hereditary Cancer Syndrome; Neoplastic Syndromes, Hereditary; Hereditary neoplastic syndrome. Identifiers: Orphanet 140162, MedGen C0027672, MeSH D009386, MONDO:0015356.

Submission:

Ambry Genetics
Classification: Likely pathogenic for Hereditary cancer-predisposing syndrome. Last evaluated: 2021-12-09. Review status: criteria provided, single submitter. Criteria: Ambry Variant Classification Scheme 2023. Collection method: clinical testing. Allele origin: germline.
Comment: The p.A95D variant (also known as c.284C>A), located in coding exon 3 of the FH gene, results from a C to A substitution at nucleotide position 284. The alanine at codon 95 is replaced by aspartic acid, an amino acid with dissimilar properties. This amino acid position is highly conserved in available vertebrate species. Based on internal structural analysis, this variant is more destabilizing than other nearby pathogenic variants (Ajalla Aleixo MA et al. FEBS J., 2019 May;286:1925-1940). This alteration has been observed in at least one individual with a personal and/or family history that is consistent with Hereditary Leiomyomatosis and Renal Cell Cancer syndrome-related disease (Ambry internal data). In addition, this alteration is predicted to be deleterious by in silico analysis. This variant is considered to be rare based on population cohorts in the Genome Aggregation Database (gnomAD). Based on the majority of available evidence to date, this variant is likely to be pathogenic.

Literature cited by the submitters: PubMed 30761759.

NM_000143.4(FH):c.284C>A (p.Ala95Asp)

Gene: FH (fumarate hydratase; minus strand). Cytogenetic location: 1q43.
Variant type: single nucleotide variant.
Coding change: c.284C>A on transcript NM_000143.4 (MANE Select); coding-DNA position 284, C replaced by A.
Protein change: p.Ala95Asp; replaces alanine 95 with aspartic acid.
Molecular consequence: missense variant.
Genome position (GRCh38, 1-based): chr1:241,513,697, G>T on the plus strand (C>A on the coding strand, the complement: FH is on the minus strand). VCF-style: chr1-241513697-G-T. GRCh37 (hg19) VCF-style: chr1-241676997-G-T.
Other names: short protein forms A95D.
Identifiers: ClinVar variation 1796807 (VCV001796807.2), dbSNP rs1660148115, ClinGen allele CA345441032.